The following is an entry in ClinVar:

NM_001378454.1(ALMS1):c.3268C>G (p.Pro1090Ala)

Gene: ALMS1 (ALMS1 centrosome and basal body associated protein; plus strand). Cytogenetic location: 2p13.1.
Variant type: single nucleotide variant.
Coding change: c.3268C>G on transcript NM_001378454.1 (MANE Select); coding-DNA position 3268, C replaced by G.
Protein change: p.Pro1090Ala; replaces proline 1090 with alanine.
Molecular consequence: missense variant.
Genome position (GRCh38, 1-based): chr2:73,449,795, C>G. VCF-style: chr2-73449795-C-G. GRCh37 (hg19) VCF-style: chr2-73676922-C-G.
Other names: c.3271C>G, p.Pro1091Ala (NM_015120.4); short protein forms P1091A, P1090A.
Identifiers: ClinVar variation 555120 (VCV000555120.8), dbSNP rs376232524, ClinGen allele CA1713493.
Genomic context (GRCh38, chr2:73,449,795, plus strand): 5'-CCTGAAGAGAGTCTGAAAGTTTCAGCCTTCCCTGGACCAGCTGACCAGATGACTGACACA[C>G]CAGCAGTACCGTCTACTTTCTACTCACAAAGAGAGAAGCCTGGTATTTTCTACCAACAGA-3'
Protein context (NP_001365383.1, residues 1080-1100): PGPADQMTDT[Pro1090Ala]AVPSTFYSQR

ClinVar aggregate classification (germline): Conflicting classifications of pathogenicity. Review status: criteria provided, conflicting classifications (1 of 4 stars). 5 submissions from 5 submitters: Uncertain significance (3); Likely benign (1). 1 of the submissions does not count toward it. Last evaluated 2024-05-23.

Conditions:
Cardiovascular phenotype. Identifiers: MedGen CN230736.
Alstrom syndrome (ALMS). Identifiers: Orphanet 64, MedGen C0268425, MONDO:0008763, OMIM 203800.

Allele frequency attached by ClinVar (database versions not stated): gnomAD exomes 0.00001; TOPMed 0.00001; ExAC 0.00002; ESP Exome Variant Server 0.00008.
gnomAD v4.1: 9 of 1,614,008 alleles (0.00056%); highest among the groups gnomAD compares: Non-Finnish European, 0.00076%; no homozygotes.

Submissions (5):

Blueprint Genetics
Classification: Uncertain significance. Last evaluated: 2024-05-23. Review status: criteria provided, single submitter. Criteria: ACMG Guidelines, 2015. Collection method: clinical testing. Allele origin: germline.

Labcorp Genetics (formerly Invitae), Labcorp
Classification: Uncertain significance for Alstrom syndrome. Last evaluated: 2023-11-19. Review status: criteria provided, single submitter. Criteria: Invitae Variant Classification Sherloc (09022015). Collection method: clinical testing. Allele origin: germline.
Comment: This sequence change replaces proline, which is neutral and non-polar, with alanine, which is neutral and non-polar, at codon 1091 of the ALMS1 protein (p.Pro1091Ala). This variant is present in population databases (rs376232524, gnomAD 0.003%). This variant has not been reported in the literature in individuals affected with ALMS1-related conditions. ClinVar contains an entry for this variant (Variation ID: 555120). Experimental studies and prediction algorithms are not available or were not evaluated, and the functional significance of this variant is currently unknown. In summary, the available evidence is currently insufficient to determine the role of this variant in disease. Therefore, it has been classified as a Variant of Uncertain Significance.

Ambry Genetics
Classification: Likely benign for Cardiovascular phenotype. Last evaluated: 2023-11-13. Review status: criteria provided, single submitter. Criteria: Ambry Variant Classification Scheme 2023. Collection method: clinical testing. Allele origin: germline.

Women's Health and Genetics/Laboratory Corporation of America, LabCorp
Classification: Uncertain significance. Last evaluated: 2022-01-15. Review status: criteria provided, single submitter. Criteria: LabCorp Variant Classification Summary - May 2015. Collection method: clinical testing. Allele origin: germline.

Counsyl
Classification: Uncertain significance for Alstrom syndrome. Last evaluated: 2017-11-26. Review status: no assertion criteria provided. Collection method: clinical testing. Allele origin: unknown. Not counted in ClinVar's aggregate classification.